The following is an entry in ClinVar:

ClinVar aggregate classification (germline): Uncertain significance. Review status: reviewed by expert panel (3 of 4 stars). 2 submissions from 2 submitters: Uncertain significance (1). 1 of the submissions does not count toward it. Last evaluated 2024-07-11.

Conditions:
Hereditary thrombocytopenia and hematologic cancer predisposition syndrome. Identifiers: Orphanet 71290, MedGen CN281654, MONDO:0011071.
Hereditary thrombocytopenia and hematological cancer predisposition syndrome associated with RUNX1. Also called: RUNX1 Familial Platelet Disorder with Associated Myeloid Malignancies; Familial Platelet Disorder with Propensity to Acute Myelogenous Leukemia; Familial thrombocytopenia with propensity to acute myelogenous leukemia; PLATELET DISORDER, ASPIRIN-LIKE. Identifiers: Orphanet 71290, MedGen C1832388, MeSH C563324, MONDO:0100083, OMIM 601399.

Submissions (2):

ClinGen Myeloid Malignancy Variant Curation Expert Panel
Classification: Uncertain significance for Hereditary thrombocytopenia and hematologic cancer predisposition syndrome. Last evaluated: 2024-07-11. Review status: reviewed by expert panel. Criteria: ClinGen MyeloMalig ACMG Specifications v2. Collection method: curation. Allele origin: germline. Inheritance: Autosomal dominant inheritance.
Comment: NM_001754.5(RUNX1): c.1297A>G (p.Thr433Ala) is a missense variant which has a REVEL score < 0.50 (0.18) and a SpliceAI score ≤ 0.20 (0.0) (BP4). This variant is completely absent from all population databases with at least 20x coverage for RUNX1 (PM2_Supporting). In summary, the clinical significance of this variant is uncertain. ACMG/AMP criteria applied, as specified by the Myeloid Malignancy Variant Curation Expert Panel for RUNX1: BP4, PM2_supporting.

Labcorp Genetics (formerly Invitae), Labcorp
Classification: Uncertain significance for Hereditary thrombocytopenia and hematological cancer predisposition syndrome associated with RUNX1. Last evaluated: 2024-04-22. Review status: criteria provided, single submitter. Criteria: Invitae Variant Classification Sherloc (09022015). Collection method: clinical testing. Allele origin: germline. Not counted in ClinVar's aggregate classification.
Comment: This sequence change replaces threonine, which is neutral and polar, with alanine, which is neutral and non-polar, at codon 433 of the RUNX1 protein (p.Thr433Ala). This variant is not present in population databases (gnomAD no frequency). This variant has not been reported in the literature in individuals affected with RUNX1-related conditions. ClinVar contains an entry for this variant (Variation ID: 1487660). Advanced modeling of protein sequence and biophysical properties (such as structural, functional, and spatial information, amino acid conservation, physicochemical variation, residue mobility, and thermodynamic stability) performed at Invitae indicates that this missense variant is not expected to disrupt RUNX1 protein function with a negative predictive value of 80%. In summary, the available evidence is currently insufficient to determine the role of this variant in disease. Therefore, it has been classified as a Variant of Uncertain Significance.

NM_001754.5(RUNX1):c.1297A>G (p.Thr433Ala)

Gene: RUNX1 (RUNX family transcription factor 1; minus strand). Cytogenetic location: 21q22.12.
Variant type: single nucleotide variant.
Coding change: c.1297A>G on transcript NM_001754.5 (MANE Select); coding-DNA position 1297, A replaced by G.
Protein change: p.Thr433Ala; replaces threonine 433 with alanine.
Molecular consequence: missense variant.
Genome position (GRCh38, 1-based): chr21:34,792,281, T>C on the plus strand (A>G on the coding strand, the complement: RUNX1 is on the minus strand). VCF-style: chr21-34792281-T-C. GRCh37 (hg19) VCF-style: chr21-36164578-T-C.
Other names: NM_001754.5(RUNX1):c.1297A>G; p.Thr433Ala; c.1216A>G, p.Thr406Ala (NM_001001890.3); short protein forms T406A, T433A.
Identifiers: ClinVar variation 1487660 (VCV001487660.9), dbSNP rs2145873767, ClinGen allele CA410147465.
Genomic context (GRCh38, chr21:34,792,281, plus strand): 5'-CCACGTCGCTCTGGTTCGGGAGGCTGGGGTTGAGCAGCGCGGAGCCGGTGGAGGCGTTGG[T>C]GCAGGGCGGCAGGATGCGCGGCGGCGAGCGCTCGCCGCCCACCATGGAGAACTGGTAGGA-3'
Protein context (NP_001745.2, residues 423-443): RSPPRILPPC[Thr433Ala]NASTGSALLN